The following is an entry in ClinVar:

ClinVar aggregate classification (germline): Likely pathogenic. Review status: criteria provided, multiple submitters, no conflicts (2 of 4 stars). 2 submissions from 2 submitters: Likely pathogenic (2). Last evaluated 2025-09-08.

Conditions:
Thrombophilia, X-linked, due to factor 9 defect. Identifiers: MedGen C2749016, MONDO:0010432, OMIM 300807.
Hereditary factor IX deficiency disease (HEMB). Also called: PLASMA THROMBOPLASTIN COMPONENT DEFICIENCY; Hemophilia B; Christmas Disease; F9 DEFICIENCY; FACTOR IX DEFICIENCY. Identifiers: Orphanet 98879, MedGen C0008533, MeSH D002836, MONDO:0010604, OMIM 306900.

Submissions (2):

Women's Health and Genetics/Laboratory Corporation of America, LabCorp
Classification: Likely pathogenic for Hereditary factor IX deficiency disease. Last evaluated: 2025-09-08. Review status: criteria provided, single submitter. Criteria: LabCorp Variant Classification Summary - May 2015. Collection method: clinical testing. Allele origin: germline.
Comment: Variant summary: F9 c.149G>A (p.Gly50Asp) results in a non-conservative amino acid change located in the Gamma-carboxyglutamic acid-rich (GLA) domain (IPR000294) of the encoded protein sequence. Algorithms developed to predict the effect of missense changes on protein structure and function all suggest that this variant is likely to be disruptive. The variant was absent in 182588 control chromosomes. c.149G>A has been observed in individuals affected with mild Factor IX Deficiency (Hemophilia B) (e.g. Giannelli_1996, Bach_2025). These data indicate that the variant may be associated with disease. To our knowledge, no experimental evidence demonstrating an impact on protein function has been reported. A different variant affecting the same codon (c.148G>A, p.Gly50Ser) has been classified as Likely pathognenic/Pathogenic in ClinVar, suggesting a critical role of codon 50 in F9 protein function. The following publications have been ascertained in the context of this evaluation (PMID: 8594556, 40191713). ClinVar contains an entry for this variant (Variation ID: 3385073). Based on the evidence outlined above, the variant was classified as likely pathogenic.

Labcorp Genetics (formerly Invitae), Labcorp
Classification: Likely pathogenic for Thrombophilia, X-linked, due to factor 9 defect; Hereditary factor IX deficiency disease. Last evaluated: 2025-07-15. Review status: criteria provided, single submitter. Criteria: Invitae Variant Classification Sherloc (09022015). Collection method: clinical testing. Allele origin: germline.
Comment: This sequence change replaces glycine, which is neutral and non-polar, with aspartic acid, which is acidic and polar, at codon 50 of the F9 protein (p.Gly50Asp). This variant is not present in population databases (gnomAD no frequency). This variant has not been reported in the literature in individuals affected with F9-related conditions. ClinVar contains an entry for this variant (Variation ID: 3385073). Invitae Evidence Modeling of protein sequence and biophysical properties (such as structural, functional, and spatial information, amino acid conservation, physicochemical variation, residue mobility, and thermodynamic stability) indicates that this missense variant is expected to disrupt F9 protein function with a positive predictive value of 95%. This variant disrupts the p.Gly50 amino acid residue in F9. Other variant(s) that disrupt this residue have been determined to be pathogenic (PMID: 8091381, 8594556, 19699296, 27213901). This suggests that this residue is clinically significant, and that variants that disrupt this residue are likely to be disease-causing. In summary, the currently available evidence indicates that the variant is pathogenic, but additional data are needed to prove that conclusively. Therefore, this variant has been classified as Likely Pathogenic.

Literature cited by the submitters: PubMed 8594556 (cited by Women's Health and Genetics/Laboratory Corporation of America, LabCorp and Labcorp Genetics (formerly Invitae), Labcorp); PubMed 40191713 (cited by Women's Health and Genetics/Laboratory Corporation of America, LabCorp); PubMed 8091381 (cited by Labcorp Genetics (formerly Invitae), Labcorp); PubMed 19699296 (cited by Labcorp Genetics (formerly Invitae), Labcorp); PubMed 27213901 (cited by Labcorp Genetics (formerly Invitae), Labcorp).

NM_000133.4(F9):c.149G>A (p.Gly50Asp)

Gene: F9 (coagulation factor IX; plus strand). Cytogenetic location: Xq27.1.
Variant type: single nucleotide variant.
Coding change: c.149G>A on transcript NM_000133.4 (MANE Select); coding-DNA position 149, G replaced by A.
Protein change: p.Gly50Asp; replaces glycine 50 with aspartic acid.
Molecular consequence: missense variant.
Genome position (GRCh38, 1-based): chrX:139,537,070, G>A. VCF-style: chrX-139537070-G-A. GRCh37 (hg19) VCF-style: chrX-138619229-G-A.
Other names: c.149G>A, p.Gly50Asp (NM_001313913.2); short protein forms G50D.
Identifiers: ClinVar variation 3385073 (VCV003385073.3).